The following is an entry in ClinVar:

NM_000089.4(COL1A2):c.3233G>T (p.Gly1078Val)

Gene: COL1A2 (collagen type I alpha 2 chain; plus strand). Cytogenetic location: 7q21.3.
Variant type: single nucleotide variant.
Coding change: c.3233G>T on transcript NM_000089.4 (MANE Select); coding-DNA position 3233, G replaced by T.
Protein change: p.Gly1078Val; replaces glycine 1078 with valine.
Molecular consequence: missense variant.
Genome position (GRCh38, 1-based): chr7:94,427,261, G>T. VCF-style: chr7-94427261-G-T. GRCh37 (hg19) VCF-style: chr7-94056573-G-T.
Other names: short protein forms G1078V.
Identifiers: ClinVar variation 2944253 (VCV002944253.4), dbSNP rs72659332, ClinGen allele CA368225546.
Genomic context (GRCh38, chr7:94,427,261, plus strand): 5'-CTTCTGGCCCTGCTGGAAAAGATGGTCGCACTGGACATCCTGGTACAGTTGGACCTGCTG[G>T]CATTCGAGGCCCTCAGGGTCACCAAGGCCCTGCTGTAAGTATGATTTGGGGAAATAATAA-3'
Protein context (NP_000080.2, residues 1068-1088): TGHPGTVGPA[Gly1078Val]IRGPQGHQGP

ClinVar aggregate classification (germline): Likely pathogenic. Review status: criteria provided, multiple submitters, no conflicts (2 of 4 stars). 2 submissions from 2 submitters: Likely pathogenic (2). Last evaluated 2023-04-06.

Conditions:
Osteogenesis imperfecta type I (OI1). Also called: Classic Non-deforming Osteogenesis Imperfecta with Blue Sclerae; Osteogenesis imperfecta type 1; Lobstein disease; Lobstein's Disease; OI, TYPE I; OSTEOGENESIS IMPERFECTA TARDA. Identifiers: Orphanet 216796, Orphanet 666, MedGen C0023931, MONDO:0008146, OMIM 166200. Disease mechanism: loss of function.
Ehlers-Danlos syndrome, classic type, 1 (EDSCL1). Also called: EHLERS-DANLOS SYNDROME, GRAVIS TYPE; EHLERS-DANLOS SYNDROME, SEVERE CLASSIC TYPE; EDS I; Ehlers-Danlos syndrome, type 1; Ehlers-Danlos Syndrome, Classic Type, COL5A1-Related. Identifiers: MedGen C0268335, MONDO:0019567, OMIM 130000.
COL1A2-related disorder. Also called: COL1A2-related condition; COL1A2-Related Disorders.

Submissions (2):

Labcorp Genetics (formerly Invitae), Labcorp
Classification: Likely pathogenic for Osteogenesis imperfecta type I; Ehlers-Danlos syndrome, classic type, 1. Last evaluated: 2023-04-06. Review status: criteria provided, single submitter. Criteria: Invitae Variant Classification Sherloc (09022015). Collection method: clinical testing. Allele origin: germline.
Comment: This sequence change replaces glycine, which is neutral and non-polar, with valine, which is neutral and non-polar, at codon 1078 of the COL1A2 protein (p.Gly1078Val). This variant has not been reported in the literature in individuals affected with COL1A2-related conditions. Advanced modeling of protein sequence and biophysical properties (such as structural, functional, and spatial information, amino acid conservation, physicochemical variation, residue mobility, and thermodynamic stability) performed at Invitae indicates that this missense variant is expected to disrupt COL1A2 protein function. This variant disrupts the triple helix domain of COL1A2. Glycine residues within the Gly-Xaa-Yaa repeats of the triple helix domain are required for the structure and stability of fibrillar collagens (PMID: 7695699, 8218237, 19344236). In COL1A2, variants affecting these glycine residues are significantly enriched in individuals with disease (PMID: 9016532, 17078022) compared to the general population (ExAC). In summary, the currently available evidence indicates that the variant is pathogenic, but additional data are needed to prove that conclusively. Therefore, this variant has been classified as Likely Pathogenic. This variant is not present in population databases (gnomAD no frequency).

Blueprint Genetics
Classification: Likely pathogenic for COL1A2-related disorders. Last evaluated: 2022-12-19. Review status: criteria provided, single submitter. Criteria: ACMG Guidelines, 2015. Collection method: clinical testing. Allele origin: germline. Affected: yes. Observed: 1 variant allele.

Literature cited by the submitters: PubMed 7695699 (cited by Labcorp Genetics (formerly Invitae), Labcorp); PubMed 8218237 (cited by Labcorp Genetics (formerly Invitae), Labcorp); PubMed 19344236 (cited by Labcorp Genetics (formerly Invitae), Labcorp); PubMed 9016532 (cited by Labcorp Genetics (formerly Invitae), Labcorp); PubMed 17078022 (cited by Labcorp Genetics (formerly Invitae), Labcorp).